The following is an entry in ClinVar:

ClinVar aggregate classification (germline): Benign (1 of 4 stars; one submission).

Allele frequency attached by ClinVar (database versions not stated): 1000 Genomes Project 0.62887; 1000 Genomes Project 30x 0.63725; ExAC 0.75043; TOPMed 0.81699; ESP Exome Variant Server 0.89425.

Submission:

Unidad de Genómica Garrahan, Hospital de Pediatría Garrahan
Classification: Benign. Last evaluated: 2024-01-24. Review status: criteria provided, single submitter. Criteria: ACMG Guidelines, 2015. Collection method: clinical testing. Allele origin: germline. Affected: no. Observed: 59 variant alleles.
Comment: This variant is classified as Benign based on local population frequency. This variant was detected in 62% of patients studied by a panel of primary immunodeficiencies. Number of patients: 59. Only high quality variants are reported.

NM_001569.4(IRAK1):c.587T>C (p.Phe196Ser)

Gene: IRAK1 (interleukin 1 receptor associated kinase 1; minus strand). Cytogenetic location: Xq28.
Variant type: single nucleotide variant.
Coding change: c.587T>C on transcript NM_001569.4 (MANE Select); coding-DNA position 587, T replaced by C.
Protein change: p.Phe196Ser; replaces phenylalanine 196 with serine.
Molecular consequence: missense variant.
Genome position (GRCh38, 1-based): chrX:154,018,741, A>G on the plus strand (T>C on the coding strand, the complement: IRAK1 is on the minus strand). VCF-style: chrX-154018741-A-G. GRCh37 (hg19) VCF-style: chrX-153284192-A-G.
Other names: c.587T>C, p.Phe196Ser (NM_001025242.2, NM_001025243.2); c.665T>C, p.Phe222Ser (NM_001410701.1); short protein forms F196S, F222S.
Identifiers: ClinVar variation 2688060 (VCV002688060.2), dbSNP rs1059702, ClinGen allele CA10558297.